The following is an entry in ClinVar:

ClinVar aggregate classification (germline): Likely pathogenic (1 of 4 stars; one submission).

Submission:

CeGaT Center for Human Genetics Tuebingen
Classification: Likely pathogenic. Last evaluated: 2024-03-01. Review status: criteria provided, single submitter. Criteria: CeGaT Center For Human Genetics Tuebingen Variant Classification Criteria Version 2. Collection method: clinical testing. Allele origin: germline. Affected: yes. Observed: 1 variant allele.
Comment: SOX11: PM1, PM2, PM5, PP2, PP3

NM_003108.4(SOX11):c.155C>G (p.Pro52Arg)

Gene: SOX11 (SRY-box transcription factor 11; plus strand). Cytogenetic location: 2p25.2.
Variant type: single nucleotide variant.
Coding change: c.155C>G on transcript NM_003108.4 (MANE Select); coding-DNA position 155, C replaced by G.
Protein change: p.Pro52Arg; replaces proline 52 with arginine.
Molecular consequence: missense variant.
Genome position (GRCh38, 1-based): chr2:5,692,876, C>G. VCF-style: chr2-5692876-C-G. GRCh37 (hg19) VCF-style: chr2-5833008-C-G.
Other names: short protein forms P52R.
Identifiers: ClinVar variation 3067682 (VCV003067682.21), dbSNP rs2465087392, ClinGen allele CA345866059.